The following is an entry in ClinVar:

ClinVar aggregate classification (germline): Uncertain significance (1 of 4 stars; one submission).

Conditions:
Emery-Dreifuss muscular dystrophy 5, autosomal dominant (EDMD5). Also called: EMERY-DREIFUSS MUSCULAR DYSTROPHY 5. Identifiers: Orphanet 261, MedGen C2751805, MONDO:0013072, OMIM 612999.

gnomAD v4.1: 4 of 1,614,178 alleles (0.00025%); highest among the groups gnomAD compares: Admixed American, 0.0033%; no homozygotes.

Submission:

Labcorp Genetics (formerly Invitae), Labcorp
Classification: Uncertain significance for Emery-Dreifuss muscular dystrophy 5, autosomal dominant. Last evaluated: 2023-08-07. Review status: criteria provided, single submitter. Criteria: Invitae Variant Classification Sherloc (09022015). Collection method: clinical testing. Allele origin: germline.
Comment: In summary, the available evidence is currently insufficient to determine the role of this variant in disease. Therefore, it has been classified as a Variant of Uncertain Significance. Algorithms developed to predict the effect of missense changes on protein structure and function output the following: SIFT: "Not Available"; PolyPhen-2: "Benign"; Align-GVGD: "Not Available". The valine amino acid residue is found in multiple mammalian species, which suggests that this missense change does not adversely affect protein function. This variant has not been reported in the literature in individuals affected with SYNE2-related conditions. This sequence change replaces isoleucine, which is neutral and non-polar, with valine, which is neutral and non-polar, at codon 5432 of the SYNE2 protein (p.Ile5432Val). This variant is present in population databases (rs776776711, gnomAD 0.0009%).

NM_182914.3(SYNE2):c.16294A>G (p.Ile5432Val)

Gene: SYNE2 (spectrin repeat containing nuclear envelope protein 2; plus strand). Cytogenetic location: 14q23.2.
Variant type: single nucleotide variant.
Coding change: c.16294A>G on transcript NM_182914.3 (MANE Select); coding-DNA position 16294, A replaced by G.
Protein change: p.Ile5432Val; replaces isoleucine 5432 with valine.
Molecular consequence: missense variant.
Genome position (GRCh38, 1-based): chr14:64,162,271, A>G. VCF-style: chr14-64162271-A-G. GRCh37 (hg19) VCF-style: chr14-64628989-A-G.
Other names: c.16294A>G, p.Ile5432Val (NM_015180.6); short protein forms I5432V.
Identifiers: ClinVar variation 2770398 (VCV002770398.3), dbSNP rs776776711, ClinGen allele CA7223318.